The following is an entry in ClinVar:

ClinVar aggregate classification (germline): Uncertain significance (1 of 4 stars; one submission).

Conditions:
Inborn genetic diseases. Identifiers: MedGen C0950123, MeSH D030342.

gnomAD v4.1: 3 of 1,612,564 alleles (0.00019%); highest among the groups gnomAD compares: Non-Finnish European, 0.00025%; no homozygotes.

Submission:

Ambry Genetics
Classification: Uncertain significance for Inborn genetic diseases. Last evaluated: 2025-12-15. Review status: criteria provided, single submitter. Criteria: Ambry Variant Classification Scheme 2023. Collection method: clinical testing. Allele origin: germline.
Comment: The p.R618H variant (also known as c.1853G>A), located in coding exon 16 of the KDM1A gene, results from a G to A substitution at nucleotide position 1853. The arginine at codon 618 is replaced by histidine, an amino acid with highly similar properties. This amino acid position is conserved. In addition, this alteration is predicted to be deleterious by in silico analysis. Based on the available evidence, the clinical significance of this variant remains unclear.

NM_001009999.3(KDM1A):c.1853G>A (p.Arg618His)

Gene: KDM1A (lysine demethylase 1A; plus strand). Cytogenetic location: 1p36.12.
Variant type: single nucleotide variant.
Coding change: c.1853G>A on transcript NM_001009999.3 (MANE Select); coding-DNA position 1853, G replaced by A.
Protein change: p.Arg618His; replaces arginine 618 with histidine.
Molecular consequence: missense variant.
Genome position (GRCh38, 1-based): chr1:23,077,346, G>A. VCF-style: chr1-23077346-G-A. GRCh37 (hg19) VCF-style: chr1-23403839-G-A.
Other names: c.1799G>A, p.Arg600His (NM_001363654.2); c.1859G>A, p.Arg620His (NM_001410762.1); c.1781G>A, p.Arg594His (NM_001410763.1, NM_015013.4); short protein forms R618H, R594H, R600H, R620H.
Identifiers: ClinVar variation 4841899 (VCV004841899.1).